The following is an entry in ClinVar:

ClinVar aggregate classification (germline): Uncertain significance (1 of 4 stars; one submission).

Allele frequency attached by ClinVar (database versions not stated): gnomAD exomes below 0.00001; gnomAD 0.00001; TOPMed 0.00002.
gnomAD v4.1: 6 of 1,614,074 alleles (0.00037%); highest among the groups gnomAD compares: African/African-American, 0.0053%; no homozygotes.

Submission:

Labcorp Genetics (formerly Invitae), Labcorp
Classification: Uncertain significance. Last evaluated: 2022-06-26. Review status: criteria provided, single submitter. Criteria: Invitae Variant Classification Sherloc (09022015). Collection method: clinical testing. Allele origin: germline.
Comment: This sequence change replaces isoleucine, which is neutral and non-polar, with valine, which is neutral and non-polar, at codon 90 of the COQ6 protein (p.Ile90Val). This variant is present in population databases (no rsID available, gnomAD 0.007%). This variant has not been reported in the literature in individuals affected with COQ6-related conditions. Algorithms developed to predict the effect of missense changes on protein structure and function output the following: SIFT: "Tolerated"; PolyPhen-2: "Benign"; Align-GVGD: "Class C0". The valine amino acid residue is found in multiple mammalian species, which suggests that this missense change does not adversely affect protein function. In summary, the available evidence is currently insufficient to determine the role of this variant in disease. Therefore, it has been classified as a Variant of Uncertain Significance.

NM_182476.3(COQ6):c.268A>G (p.Ile90Val)

Gene: COQ6 (coenzyme Q6, monooxygenase; plus strand). Cytogenetic location: 14q24.3.
Variant type: single nucleotide variant.
Coding change: c.268A>G on transcript NM_182476.3 (MANE Select); coding-DNA position 268, A replaced by G.
Protein change: p.Ile90Val; replaces isoleucine 90 with valine.
Molecular consequence: missense variant.
Genome position (GRCh38, 1-based): chr14:73,953,539, A>G. VCF-style: chr14-73953539-A-G. GRCh37 (hg19) VCF-style: chr14-74420242-A-G.
Other names: c.193A>G, p.Ile65Val (NM_182480.3); short protein forms I65V, I90V.
Identifiers: ClinVar variation 1982464 (VCV001982464.1), dbSNP rs1006718610, ClinGen allele CA263572205.
Genomic context (GRCh38, chr14:73,953,539, plus strand): 5'-GCAGGTCCAAAGAAAGTACTGGAGAAATTGTCAGAAACTTACAGCAACAGGGTCAGCTCC[A>G]TTTCCCCTGGCTCTGCAACGCTTCTCAGTAGTGAGTAGAAGATCCTCCTTCAAAGATCCA-3'
Protein context (NP_872282.1, residues 80-100): SETYSNRVSS[Ile90Val]SPGSATLLSS